The following is an entry in ClinVar:

NM_022049.3(GPR88):c.640G>A (p.Gly214Ser)

Gene: GPR88 (G protein-coupled receptor 88; plus strand). Cytogenetic location: 1p21.2.
Variant type: single nucleotide variant.
Coding change: c.640G>A on transcript NM_022049.3 (MANE Select); coding-DNA position 640, G replaced by A.
Protein change: p.Gly214Ser; replaces glycine 214 with serine.
Molecular consequence: missense variant.
Genome position (GRCh38, 1-based): chr1:100,539,606, G>A. VCF-style: chr1-100539606-G-A. GRCh37 (hg19) VCF-style: chr1-101005162-G-A.
Other names: short protein forms G214S.
Identifiers: ClinVar variation 4769451 (VCV004769451.1).

ClinVar aggregate classification (germline): Uncertain significance (1 of 4 stars; one submission).

Submission:

Labcorp Genetics (formerly Invitae), Labcorp
Classification: Uncertain significance. Last evaluated: 2025-03-31. Review status: criteria provided, single submitter. Criteria: Invitae Variant Classification Sherloc (09022015). Collection method: clinical testing. Allele origin: germline.
Comment: This sequence change replaces glycine, which is neutral and non-polar, with serine, which is neutral and polar, at codon 214 of the GPR88 protein (p.Gly214Ser). This variant is not present in population databases (gnomAD no frequency). This variant has not been reported in the literature in individuals affected with GPR88-related conditions. An algorithm developed to predict the effect of missense changes on protein structure and function (PolyPhen-2) suggests that this variant is likely to be disruptive. In summary, the available evidence is currently insufficient to determine the role of this variant in disease. Therefore, it has been classified as a Variant of Uncertain Significance.